The following is an entry in ClinVar:

ClinVar aggregate classification (germline): Likely pathogenic. Review status: criteria provided, multiple submitters, no conflicts (2 of 4 stars). 4 submissions from 4 submitters: Likely pathogenic (3). 1 of the submissions does not count toward it. Last evaluated 2026-08-20.

Conditions:
Semilobar holoprosencephaly. Identifiers: Orphanet 220386, MedGen C0751617, MONDO:0700419, HP:0002507, MONDO:0016355.
Holoprosencephaly sequence (HPE). Also called: Holoprosencephaly. Identifiers: Orphanet 2162, MedGen C0079541, MONDO:0016296, HP:0001360.
Hypogonadotropic hypogonadism 6 with or without anosmia (HH6). Also called: FGF8-Related GnRH Deficiency (Kallmann Syndrome 6); HYPOGONADOTROPIC HYPOGONADISM 6 WITHOUT ANOSMIA; HYPOGONADOTROPIC HYPOGONADISM 6 WITH ANOSMIA. Identifiers: Orphanet 478, MedGen C3552574, MONDO:0012988, OMIM 612702.

Allele frequency attached by ClinVar (database versions not stated): gnomAD exomes below 0.00001.
gnomAD v4.1: 2 of 1,614,094 alleles (0.00012%); highest among the groups gnomAD compares: Non-Finnish European, 0.00017%; no homozygotes.

Submissions (4):

GeneDx
Classification: Likely pathogenic. Last evaluated: 2026-08-20. Review status: criteria provided, single submitter. Criteria: GeneDx Variant Classification Process June 2021. Collection method: clinical testing. Allele origin: germline.
Comment: Published functional studies suggest a damaging effect whereby overexpression of the p.(T119M) variant (also known as p.(T108M)) results in loss of function (PMID: 29584859); Identified in two unrelated probands with semilobar holoprosencephaly who also harbored variants in other potentially causative genes (PMID: 29584859, 27363716); Not observed at significant frequency in large population cohorts (gnomAD); In silico analysis supports that this missense variant has a deleterious effect on protein structure/function; This variant is associated with the following publications: (PMID: 27363716, 29584859)

Fulgent Genetics
Classification: Likely pathogenic for Hypogonadotropic hypogonadism 6 with or without anosmia. Last evaluated: 2021-08-02. Review status: criteria provided, single submitter. Criteria: ACMG Guidelines, 2015. Collection method: clinical testing. Allele origin: unknown.

Muenke lab, National Institutes of Health
Classification: Likely pathogenic for Holoprosencephaly sequence. Last evaluated: 2018-04-19. Review status: criteria provided, single submitter. Criteria: Submitter's publication. Collection method: research. Allele origin: not applicable. Inheritance: Autosomal dominant inheritance.
Comment: Experimental and ACMG criteria are met: PS3;PM2;PP2/PP3/PP5. However, functional analysis of this sonic hedgehog variant proved to be indistinguishable from the normal gene in micro-injected zebrafish assays. This FGF8 variant has been seen in an un-related holoprosencephaly family as described in the Submitters publication.

Laboratory of Molecular Genetics, CHU Rennes
Classification: Likely pathogenic for semilobar holoprosencephaly. Last evaluated: 2016-04-13. Review status: no assertion criteria provided. Collection method: clinical testing. Allele origin: paternal. Affected: yes. Not counted in ClinVar's aggregate classification.

NM_033163.5(FGF8):c.356C>T (p.Thr119Met)

Gene: FGF8 (fibroblast growth factor 8; minus strand). Cytogenetic location: 10q24.32.
Variant type: single nucleotide variant.
Coding change: c.356C>T on transcript NM_033163.5 (MANE Select); coding-DNA position 356, C replaced by T.
Protein change: p.Thr119Met; replaces threonine 119 with methionine.
Molecular consequence: missense variant.
Genome position (GRCh38, 1-based): chr10:101,771,551, G>A on the plus strand (C>T on the coding strand, the complement: FGF8 is on the minus strand). VCF-style: chr10-101771551-G-A. GRCh37 (hg19) VCF-style: chr10-103531308-G-A.
Other names: p.(Thr119Met); c.44C>T, p.Thr15Met (NM_001206389.2); c.269C>T, p.Thr90Met (NM_006119.6); c.323C>T, p.Thr108Met (NM_033164.4); c.236C>T, p.Thr79Met (NM_033165.5); short protein forms T119M, T108M, T15M, T90M, T79M.
Identifiers: ClinVar variation 235081 (VCV000235081.7), dbSNP rs876661329, ClinGen allele CA10581220.